The following is an entry in ClinVar:

ClinVar aggregate classification (germline): Likely benign. Review status: criteria provided, single submitter (1 of 4 stars). 2 submissions from 2 submitters: Likely benign (1). 1 of the submissions does not count toward it. Last evaluated 2025-07-09.

Conditions:
XYLT2-related disorder. Also called: XYLT2-related condition.

Allele frequency attached by ClinVar (database versions not stated): ExAC 0.00018; gnomAD 0.00002; gnomAD exomes 0.00002; TOPMed 0.00003.
gnomAD v4.1: 30 of 1,541,242 alleles (0.0019%); highest among the groups gnomAD compares: East Asian, 0.068%; no homozygotes.

Submissions (2):

Labcorp Genetics (formerly Invitae), Labcorp
Classification: Likely benign. Last evaluated: 2025-07-09. Review status: criteria provided, single submitter. Criteria: Invitae Variant Classification Sherloc (09022015). Collection method: clinical testing. Allele origin: germline.

PreventionGenetics, part of Exact Sciences
Classification: Likely benign for XYLT2-related condition. Last evaluated: 2019-02-22. Review status: no assertion criteria provided. Collection method: clinical testing. Allele origin: germline. Not counted in ClinVar's aggregate classification.
Comment: This variant is classified as likely benign based on ACMG/AMP sequence variant interpretation guidelines (Richards et al. 2015 PMID: 25741868, with internal and published modifications).

NM_022167.4(XYLT2):c.969C>T (p.Asp323=)

Gene: XYLT2 (xylosyltransferase 2; plus strand). Cytogenetic location: 17q21.33.
Variant type: single nucleotide variant.
Coding change: c.969C>T on transcript NM_022167.4 (MANE Select); coding-DNA position 969, C replaced by T.
Protein change: p.Asp323=; no amino-acid change (aspartic acid 323 retained).
Molecular consequence: synonymous variant.
Genome position (GRCh38, 1-based): chr17:50,355,018, C>T. VCF-style: chr17-50355018-C-T. GRCh37 (hg19) VCF-style: chr17-48432379-C-T.
Identifiers: ClinVar variation 1928010 (VCV001928010.7), dbSNP rs781440043, ClinGen allele CA8646319.